The following is an entry in ClinVar:

ClinVar aggregate classification (germline): Uncertain significance (1 of 4 stars; one submission).

Conditions:
Kabuki syndrome 2 (KABUK2). Also called: KDM6A-Related Kabuki Syndrome. Identifiers: Orphanet 2322, MedGen C3275495, MONDO:0010465, OMIM 300867.

Submission:

Laboratorio de Genetica e Diagnostico Molecular, Hospital Israelita Albert Einstein
Classification: Uncertain significance for Kabuki syndrome 2. Last evaluated: 2025-08-15. Review status: criteria provided, single submitter. Criteria: ACMG Guidelines, 2015. Collection method: clinical testing. Allele origin: germline. Affected: yes.
Comment: ACMG classification criteria: PM2 supporting, PP3 supporting

NM_001291415.2(KDM6A):c.3678G>C (p.Trp1226Cys)

Gene: KDM6A (lysine demethylase 6A; plus strand). Cytogenetic location: Xp11.3.
Variant type: single nucleotide variant.
Coding change: c.3678G>C on transcript NM_001291415.2 (MANE Select); coding-DNA position 3678, G replaced by C.
Protein change: p.Trp1226Cys; replaces tryptophan 1226 with cysteine.
Molecular consequence: missense variant. On other transcripts: non-coding transcript variant (1).
Genome position (GRCh38, 1-based): chrX:45,085,953, G>C. VCF-style: chrX-45085953-G-C. GRCh37 (hg19) VCF-style: chrX-44945198-G-C.
Other names: c.3543G>C, p.Trp1181Cys (NM_001291416.2, NM_001419811.1); c.3387G>C, p.Trp1129Cys (NM_001291417.2); c.3285G>C, p.Trp1095Cys (NM_001291418.2, NM_001419815.1); c.2634G>C, p.Trp878Cys (NM_001291421.2); c.3420G>C, p.Trp1140Cys (NM_001410742.1, NM_001419814.1); c.3678G>C, p.Trp1226Cys (NM_001419809.1); c.3576G>C, p.Trp1192Cys (NM_001419810.1, NM_001419813.1); c.3522G>C, p.Trp1174Cys (NM_001419812.1, NM_021140.4); short protein forms W1095C, W1129C, W1140C, W1174C, W1181C, W1192C, W1226C, W878C.
Identifiers: ClinVar variation 4846834 (VCV004846834.1).
Genomic context (GRCh38, chrX:45,085,953, plus strand): 5'-AGTTAACATAAATATTGGCCCAGGTGACTGTGAATGGTTTGTTGTTCCTGAAGGTTACTG[G>C]GGTGTTCTGAATGACTTCTGTGAAAAGTAGGTTTCCAAAGTAAATTTTCTTAAAACATAT-3'
Protein context (NP_001278344.1, residues 1216-1236): CEWFVVPEGY[Trp1226Cys]GVLNDFCEKN